The following is an entry in ClinVar:

ClinVar aggregate classification (germline): Uncertain significance. Review status: criteria provided, multiple submitters, no conflicts (2 of 4 stars). 2 submissions from 2 submitters: Uncertain significance (2). Last evaluated 2024-05-25.

Conditions:
Isolated microphthalmia 5. Also called: Posterior Microphthalmia with Retinitis Pigmentosa, Foveoschisis, and Optic Disc Drusen. Identifiers: Orphanet 251279, MedGen C1970236, MONDO:0012605, OMIM 611040.

Allele frequency attached by ClinVar (database versions not stated): 1000 Genomes Project 30x 0.00031; 1000 Genomes Project 0.00040.
gnomAD v4.1: 45 of 1,588,876 alleles (0.0028%); highest among the groups gnomAD compares: South Asian, 0.045%; no homozygotes.

Submissions (2):

Labcorp Genetics (formerly Invitae), Labcorp
Classification: Uncertain significance for Isolated microphthalmia 5. Last evaluated: 2024-05-25. Review status: criteria provided, single submitter. Criteria: Invitae Variant Classification Sherloc (09022015). Collection method: clinical testing. Allele origin: germline.
Comment: This sequence change replaces arginine, which is basic and polar, with tryptophan, which is neutral and slightly polar, at codon 54 of the MFRP protein (p.Arg54Trp). This variant is present in population databases (rs139436396, gnomAD 0.03%). This variant has not been reported in the literature in individuals affected with MFRP-related conditions. ClinVar contains an entry for this variant (Variation ID: 863258). Algorithms developed to predict the effect of missense changes on protein structure and function output the following: SIFT: "Not Available"; PolyPhen-2: "Possibly Damaging"; Align-GVGD: "Not Available". The tryptophan amino acid residue is found in multiple mammalian species, which suggests that this missense change does not adversely affect protein function. In summary, the available evidence is currently insufficient to determine the role of this variant in disease. Therefore, it has been classified as a Variant of Uncertain Significance.

Blueprint Genetics
Classification: Uncertain significance. Last evaluated: 2022-09-26. Review status: criteria provided, single submitter. Criteria: ACMG Guidelines, 2015. Collection method: clinical testing. Allele origin: germline.

NM_031433.4(MFRP):c.160C>T (p.Arg54Trp)

Genes: C1QTNF5 (C1q and TNF related 5; minus strand), MFRP (membrane frizzled-related protein; minus strand). Cytogenetic location: 11q23.3.
Variant type: single nucleotide variant.
Coding change: c.160C>T on transcript NM_031433.4 (MANE Select); coding-DNA position 160, C replaced by T.
Protein change: p.Arg54Trp; replaces arginine 54 with tryptophan.
Molecular consequence: missense variant. On other transcripts: 5 prime UTR variant (1).
Genome position (GRCh38, 1-based): chr11:119,346,157, G>A on the plus strand (C>T on the coding strand, the complement: MFRP is on the minus strand). VCF-style: chr11-119346157-G-A. GRCh37 (hg19) VCF-style: chr11-119216867-G-A.
Other names: c.-2477C>T (NM_015645.5); short protein forms R54W.
Identifiers: ClinVar variation 863258 (VCV000863258.10), dbSNP rs139436396, ClinGen allele CA6320679.